The following is an entry in ClinVar:

ClinVar aggregate classification (germline): Uncertain significance (1 of 4 stars; one submission).

Conditions:
Primary ciliary dyskinesia 33. Also called: CILIARY DYSKINESIA, PRIMARY, 33, WITHOUT SITUS INVERSUS. Identifiers: Orphanet 244, MedGen C4225230, MONDO:0014750, OMIM 616726.

Submission:

Labcorp Genetics (formerly Invitae), Labcorp
Classification: Uncertain significance for Primary ciliary dyskinesia 33. Last evaluated: 2022-07-28. Review status: criteria provided, single submitter. Criteria: Invitae Variant Classification Sherloc (09022015). Collection method: clinical testing. Allele origin: germline.
Comment: In summary, the available evidence is currently insufficient to determine the role of this variant in disease. Therefore, it has been classified as a Variant of Uncertain Significance. Experimental studies and prediction algorithms are not available or were not evaluated, and the functional significance of this variant is currently unknown. This variant has not been reported in the literature in individuals affected with GAS8-related conditions. This variant results in a copy number gain of the genomic region encompassing exon(s) 2-4 of the GAS8 gene. While the exact position of this variant cannot be determined from the data, sub-genic copy number gains are generally in tandem (PMID: 25640679). This variant is predicted to be in-frame, and likely preserves the integrity of the reading frame.

Literature cited by the submitters: PubMed 25640679.

NC_000016.9:g.(?_90094024)_(90099352_?)dup

Genes: DRC4 (dynein regulatory complex subunit 4; plus strand), GAS8-AS1 (GAS8 antisense RNA 1; minus strand). Cytogenetic location: 16q24.3.
Variant type: Duplication.
Identifiers: ClinVar variation 2424185 (VCV002424185.4).